The following is an entry in ClinVar:

ClinVar aggregate classification (germline): Conflicting classifications of pathogenicity. Review status: criteria provided, conflicting classifications (1 of 4 stars). 2 submissions from 2 submitters: Uncertain significance (1); Likely benign (1). Last evaluated 2025-05-01.

Conditions:
TTBK2-related disorder. Also called: TTBK2-related condition.
Spinocerebellar ataxia type 11 (SCA11). Identifiers: Orphanet 98767, MedGen C1858351, MONDO:0011464, OMIM 604432.

Allele frequency attached by ClinVar (database versions not stated): ExAC 0.00003; gnomAD 0.00004 and 0.00005; gnomAD exomes 0.00004; TOPMed 0.00004; ESP Exome Variant Server 0.00008; 1000 Genomes Project 30x 0.00031; 1000 Genomes Project 0.00040.
gnomAD v4.1: 60 of 1,614,142 alleles (0.0037%); highest among the groups gnomAD compares: East Asian, 0.04%; no homozygotes.

Submissions (2):

PreventionGenetics, part of Exact Sciences
Classification: Uncertain significance for TTBK2-related condition. Last evaluated: 2025-05-01. Review status: criteria provided, single submitter. Criteria: ACMG Guidelines, 2015. Collection method: clinical testing. Allele origin: germline.
Comment: The TTBK2 c.2831G>A variant is predicted to result in the amino acid substitution p.Arg944Gln. This variant is reported in 0.046% of alleles in individuals of East Asian descent in gnomAD. At this time, the clinical significance of this variant is uncertain due to the absence of conclusive functional and genetic evidence.

Illumina Laboratory Services, Illumina
Classification: Likely benign for Spinocerebellar ataxia type 11. Last evaluated: 2018-01-12. Review status: criteria provided, single submitter. Criteria: ICSL Variant Classification Criteria 13 December 2019. Collection method: clinical testing. Allele origin: germline.
Comment: This variant was observed in the ICSL laboratory as part of a predisposition screen in an ostensibly healthy population. It had not been previously curated by ICSL or reported in the Human Gene Mutation Database (HGMD: prior to June 1st, 2018), and was therefore a candidate for classification through an automated scoring system. Utilizing variant allele frequency, disease prevalence and penetrance estimates, and inheritance mode, an automated score was calculated to assess if this variant is too frequent to cause the disease. Based on the score and internal cut-off values, a variant classified as likely benign is not then subjected to further curation. The score for this variant resulted in a classification of likely benign for this disease.

NM_173500.4(TTBK2):c.2831G>A (p.Arg944Gln)

Gene: TTBK2 (tau tubulin kinase 2; minus strand). Cytogenetic location: 15q15.2.
Variant type: single nucleotide variant.
Coding change: c.2831G>A on transcript NM_173500.4 (MANE Select); coding-DNA position 2831, G replaced by A.
Protein change: p.Arg944Gln; replaces arginine 944 with glutamine.
Molecular consequence: missense variant.
Genome position (GRCh38, 1-based): chr15:42,752,415, C>T on the plus strand (G>A on the coding strand, the complement: TTBK2 is on the minus strand). VCF-style: chr15-42752415-C-T. GRCh37 (hg19) VCF-style: chr15-43044613-C-T.
Other names: short protein forms R944Q.
Identifiers: ClinVar variation 315982 (VCV000315982.6), dbSNP rs201348630, ClinGen allele CA7516677.